The following is an entry in ClinVar:

NM_000719.7(CACNA1C):c.4760C>T (p.Ala1587Val)

Gene: CACNA1C (calcium voltage-gated channel subunit alpha1 C; plus strand). Cytogenetic location: 12p13.33.
Variant type: single nucleotide variant.
Coding change: c.4760C>T on transcript NM_000719.7 (MANE Select); coding-DNA position 4760, C replaced by T.
Protein change: p.Ala1587Val; replaces alanine 1587 with valine.
Molecular consequence: missense variant.
Genome position (GRCh38, 1-based): chr12:2,674,574, C>T. VCF-style: chr12-2674574-C-T. GRCh37 (hg19) VCF-style: chr12-2783740-C-T.
Other names: c.4904C>T, p.Ala1635Val (NM_001129827.2, NM_199460.4); c.4883C>T, p.Ala1628Val (NM_001129829.2); c.4760C>T, p.Ala1587Val (NM_001129830.3, NM_001129840.2, NM_001129841.2 and 4 more transcripts); c.4844C>T, p.Ala1615Val (NM_001129831.2); c.4820C>T, p.Ala1607Val (NM_001129832.2); c.4817C>T, p.Ala1606Val (NM_001129833.2, NM_001129834.2, NM_001129835.2); c.4811C>T, p.Ala1604Val (NM_001129836.2); c.4784C>T, p.Ala1595Val (NM_001129837.2, NM_001129838.2); and 3 more; short protein forms A1587V, A1635V, A1604V, A1628V, A1576V, A1593V, A1615V, A1584V.
Identifiers: ClinVar variation 197059 (VCV000197059.15), dbSNP rs751224055, ClinGen allele CA244975.
Genomic context (GRCh38, chr12:2,674,574, plus strand): 5'-GGGCTGAGGATCCTTTCCGCCCTGCAGGGAACCTAGAACAAGCCAATGAGGAGCTGCGGG[C>T]GATCATCAAGAAGATCTGGAAGCGGACCAGCATGAAGCTGCTGGACCAGGTGGTGCCCCC-3'
Protein context (NP_000710.5, residues 1577-1597): NLEQANEELR[Ala1587Val]IIKKIWKRTS

ClinVar aggregate classification (germline): Uncertain significance. Review status: criteria provided, multiple submitters, no conflicts (2 of 4 stars). 4 submissions from 4 submitters: Uncertain significance (4). Last evaluated 2025-09-26.

Conditions:
Cardiovascular phenotype. Identifiers: MedGen CN230736.
Long QT syndrome (LQTS). Identifiers: MedGen C0023976, MeSH D008133, MONDO:0002442. Disease mechanism: loss of function. Inheritance: Various modes of inheritance.

Allele frequency attached by ClinVar (database versions not stated): ExAC 0.00004.
gnomAD v4.1: 24 of 1,573,058 alleles (0.0015%); highest among the groups gnomAD compares: Non-Finnish European, 0.002%; no homozygotes.

Submissions (4):

Labcorp Genetics (formerly Invitae), Labcorp
Classification: Uncertain significance for Long QT syndrome. Last evaluated: 2025-09-26. Review status: criteria provided, single submitter. Criteria: Invitae Variant Classification Sherloc (09022015). Collection method: clinical testing. Allele origin: germline.
Comment: This sequence change replaces alanine, which is neutral and non-polar, with valine, which is neutral and non-polar, at codon 1587 of the CACNA1C protein (p.Ala1587Val). The frequency data for this variant in the population databases is considered unreliable, as metrics indicate poor data quality at this position in the gnomAD database. This missense change has been observed in individual(s) with Brugada syndrome (PMID: 30847666). ClinVar contains an entry for this variant (Variation ID: 197059). Invitae Evidence Modeling of protein sequence and biophysical properties (such as structural, functional, and spatial information, amino acid conservation, physicochemical variation, residue mobility, and thermodynamic stability) has been performed for this missense variant. However, the output from this modeling did not meet the statistical confidence thresholds required to predict the impact of this variant on CACNA1C protein function. In summary, the available evidence is currently insufficient to determine the role of this variant in disease. Therefore, it has been classified as a Variant of Uncertain Significance.

Ambry Genetics
Classification: Uncertain significance for Cardiovascular phenotype. Last evaluated: 2023-08-02. Review status: criteria provided, single submitter. Criteria: Ambry Variant Classification Scheme 2023. Collection method: clinical testing. Allele origin: germline.
Comment: The p.A1587V variant (also known as c.4760C>T), located in coding exon 39 of the CACNA1C gene, results from a C to T substitution at nucleotide position 4760. The alanine at codon 1587 is replaced by valine, an amino acid with similar properties. This variant has been detected in an individual indicated as having Brugada syndrome; however, clinical details were limited (van Lint FHM et al. Neth Heart J. 2019 Jun;27(6):304-309). This amino acid position is highly conserved in available vertebrate species. In addition, the in silico prediction for this alteration is inconclusive. Since supporting evidence is limited at this time, the clinical significance of this alteration remains unclear.

Clinical Genetics Laboratory, Skane University Hospital Lund
Classification: Uncertain significance. Last evaluated: 2022-07-12. Review status: criteria provided, single submitter. Criteria: ACMG Guidelines, 2015. Collection method: clinical testing. Allele origin: germline. Affected: yes.

Eurofins Ntd Llc (ga)
Classification: Uncertain significance. Last evaluated: 2015-03-13. Review status: criteria provided, single submitter. Criteria: EGL Classification Definitions 2015. Collection method: clinical testing. Allele origin: germline. Observed: 1 variant allele, 1 heterozygote.

Literature cited by the submitters: PubMed 30847666 (cited by Labcorp Genetics (formerly Invitae), Labcorp and Ambry Genetics).